The following is an entry in ClinVar:

ClinVar aggregate classification (germline): Uncertain significance (1 of 4 stars; one submission).

Allele frequency attached by ClinVar (database versions not stated): gnomAD exomes below 0.00001.
gnomAD v4.1: 2 of 1,614,172 alleles (0.00012%); highest among the groups gnomAD compares: Non-Finnish European, 0.00017%; no homozygotes.

Submission:

Labcorp Genetics (formerly Invitae), Labcorp
Classification: Uncertain significance. Last evaluated: 2022-06-30. Review status: criteria provided, single submitter. Criteria: Invitae Variant Classification Sherloc (09022015). Collection method: clinical testing. Allele origin: germline.
Comment: The frequency data for this variant in the population databases is considered unreliable, as metrics indicate poor data quality at this position in the gnomAD database. In summary, the available evidence is currently insufficient to determine the role of this variant in disease. Therefore, it has been classified as a Variant of Uncertain Significance. Algorithms developed to predict the effect of missense changes on protein structure and function (SIFT, PolyPhen-2, Align-GVGD) all suggest that this variant is likely to be tolerated. This variant has not been reported in the literature in individuals affected with FNIP1-related conditions. This sequence change replaces proline, which is neutral and non-polar, with leucine, which is neutral and non-polar, at codon 822 of the FNIP1 protein (p.Pro822Leu).

NM_133372.3(FNIP1):c.2465C>T (p.Pro822Leu)

Gene: FNIP1 (folliculin interacting protein 1; minus strand). Cytogenetic location: 5q31.1.
Variant type: single nucleotide variant.
Coding change: c.2465C>T on transcript NM_133372.3 (MANE Select); coding-DNA position 2465, C replaced by T.
Protein change: p.Pro822Leu; replaces proline 822 with leucine.
Molecular consequence: missense variant.
Genome position (GRCh38, 1-based): chr5:131,671,979, G>A on the plus strand (C>T on the coding strand, the complement: FNIP1 is on the minus strand). VCF-style: chr5-131671979-G-A. GRCh37 (hg19) VCF-style: chr5-131007672-G-A.
Other names: c.2381C>T, p.Pro794Leu (NM_001008738.3); c.2330C>T, p.Pro777Leu (NM_001346114.2); short protein forms P777L, P794L, P822L.
Identifiers: ClinVar variation 2116300 (VCV002116300.4), dbSNP rs1202020218, ClinGen allele CA360789878.